The following is an entry in ClinVar:

NM_000342.4(SLC4A1):c.886A>G (p.Ile296Val)

Gene: SLC4A1 (solute carrier family 4 member 1 (Diego blood group); minus strand). Cytogenetic location: 17q21.31.
Variant type: single nucleotide variant.
Coding change: c.886A>G on transcript NM_000342.4 (MANE Select); coding-DNA position 886, A replaced by G.
Protein change: p.Ile296Val; replaces isoleucine 296 with valine.
Molecular consequence: missense variant.
Genome position (GRCh38, 1-based): chr17:44,258,614, T>C on the plus strand (A>G on the coding strand, the complement: SLC4A1 is on the minus strand). VCF-style: chr17-44258614-T-C. GRCh37 (hg19) VCF-style: chr17-42335982-T-C.
Other names: short protein forms I296V.
Identifiers: ClinVar variation 1507619 (VCV001507619.9), dbSNP rs781169594, ClinGen allele CA290932128.

ClinVar aggregate classification (germline): Uncertain significance. Review status: criteria provided, multiple submitters, no conflicts (2 of 4 stars). 2 submissions from 2 submitters: Uncertain significance (2). Last evaluated 2021-04-02.

Allele frequency attached by ClinVar (database versions not stated): gnomAD 0.00001; TOPMed 0.00001; gnomAD exomes 0.00002 and 0.00004.
gnomAD v4.1: 54 of 1,598,258 alleles (0.0034%); highest among the groups gnomAD compares: Non-Finnish European, 0.0043%; no homozygotes.

Submissions (2):

Labcorp Genetics (formerly Invitae), Labcorp
Classification: Uncertain significance. Last evaluated: 2021-04-02. Review status: criteria provided, single submitter. Criteria: Invitae Variant Classification Sherloc (09022015). Collection method: clinical testing. Allele origin: germline.
Comment: In summary, the available evidence is currently insufficient to determine the role of this variant in disease. Therefore, it has been classified as a Variant of Uncertain Significance. Algorithms developed to predict the effect of missense changes on protein structure and function output the following: SIFT: "Tolerated"; PolyPhen-2: "Benign"; Align-GVGD: "Class C0". The valine amino acid residue is found in multiple mammalian species, suggesting that this missense change does not adversely affect protein function. These predictions have not been confirmed by published functional studies and their clinical significance is uncertain. This variant has not been reported in the literature in individuals with SLC4A1-related conditions. This variant is not present in population databases (ExAC no frequency). This sequence change replaces isoleucine with valine at codon 296 of the SLC4A1 protein (p.Ile296Val). The isoleucine residue is weakly conserved and there is a small physicochemical difference between isoleucine and valine.

Blueprint Genetics
Classification: Uncertain significance. Last evaluated: 2019-11-26. Review status: criteria provided, single submitter. Criteria: ACMG Guidelines, 2015. Collection method: clinical testing. Allele origin: germline.